The following is an entry in ClinVar:

NM_006642.5(SDCCAG8):c.359A>T (p.His120Leu)

Gene: SDCCAG8 (SHH signaling and ciliogenesis regulator SDCCAG8; plus strand). Cytogenetic location: 1q43.
Variant type: single nucleotide variant.
Coding change: c.359A>T on transcript NM_006642.5 (MANE Select); coding-DNA position 359, A replaced by T.
Protein change: p.His120Leu; replaces histidine 120 with leucine.
Molecular consequence: missense variant. On other transcripts: 5 prime UTR variant (3).
Genome position (GRCh38, 1-based): chr1:243,274,595, A>T. VCF-style: chr1-243274595-A-T. GRCh37 (hg19) VCF-style: chr1-243437897-A-T.
Other names: c.-754A>T (NM_001350246.2); c.-642A>T (NM_001350247.2); c.359A>T, p.His120Leu (NM_001350248.2); c.65A>T, p.His22Leu (NM_001350249.2); c.-1015A>T (NM_001350251.2); short protein forms H22L, H120L.
Identifiers: ClinVar variation 1973099 (VCV001973099.5), dbSNP rs778785206, ClinGen allele CA345476976.

ClinVar aggregate classification (germline): Uncertain significance (1 of 4 stars; one submission).

Conditions:
Senior-Loken syndrome 7 (SLSN7). Identifiers: Orphanet 3156, MedGen C3150877, MONDO:0013326, OMIM 613615.
Bardet-Biedl syndrome 16 (BBS16). Identifiers: Orphanet 110, MedGen C3889474, MONDO:0014444, OMIM 615993.

gnomAD v4.1: 1 of 1,611,888 alleles (0.000062%); highest among the groups gnomAD compares: African/African-American, 0.0013%; no homozygotes.

Submission:

Labcorp Genetics (formerly Invitae), Labcorp
Classification: Uncertain significance for Bardet-Biedl syndrome 16; Senior-Loken syndrome 7. Last evaluated: 2022-07-06. Review status: criteria provided, single submitter. Criteria: Invitae Variant Classification Sherloc (09022015). Collection method: clinical testing. Allele origin: germline.
Comment: Algorithms developed to predict the effect of missense changes on protein structure and function are either unavailable or do not agree on the potential impact of this missense change (SIFT: "Deleterious"; PolyPhen-2: "Benign"; Align-GVGD: "Class C0"). In summary, the available evidence is currently insufficient to determine the role of this variant in disease. Therefore, it has been classified as a Variant of Uncertain Significance. This variant has not been reported in the literature in individuals affected with SDCCAG8-related conditions. This variant is not present in population databases (gnomAD no frequency). This sequence change replaces histidine, which is basic and polar, with leucine, which is neutral and non-polar, at codon 120 of the SDCCAG8 protein (p.His120Leu).